The following is an entry in ClinVar:

ClinVar aggregate classification (germline): Conflicting classifications of pathogenicity. Review status: criteria provided, conflicting classifications (1 of 4 stars). 2 submissions from 2 submitters: Likely pathogenic (1); Uncertain significance (1). Last evaluated 2023-10-01.

Conditions:
Retinal dystrophy. Also called: Inherited retinal dystrophy. Identifiers: Orphanet 71862, MedGen C0854723, MeSH D058499, MONDO:0019118, HP:0000556.

Allele frequency attached by ClinVar (database versions not stated): gnomAD 0.00001.

Submissions (2):

Dept Of Ophthalmology, Nagoya University
Classification: Likely pathogenic for Retinal dystrophy. Last evaluated: 2023-10-01. Review status: criteria provided, single submitter. Criteria: Submitter's publication. Collection method: research. Allele origin: germline. Affected: yes.

Labcorp Genetics (formerly Invitae), Labcorp
Classification: Uncertain significance. Last evaluated: 2022-07-12. Review status: criteria provided, single submitter. Criteria: Invitae Variant Classification Sherloc (09022015). Collection method: clinical testing. Allele origin: germline.
Comment: ClinVar contains an entry for this variant (Variation ID: 1381156). This sequence change replaces aspartic acid, which is acidic and polar, with asparagine, which is neutral and polar, at codon 265 of the EMC1 protein (p.Asp265Asn). This variant is present in population databases (no rsID available, gnomAD 0.0009%). This variant has not been reported in the literature in individuals affected with EMC1-related conditions. Algorithms developed to predict the effect of missense changes on protein structure and function (SIFT, PolyPhen-2, Align-GVGD) all suggest that this variant is likely to be tolerated. In summary, the available evidence is currently insufficient to determine the role of this variant in disease. Therefore, it has been classified as a Variant of Uncertain Significance.

NM_015047.3(EMC1):c.793G>A (p.Asp265Asn)

Genes: EMC1 (ER membrane protein complex subunit 1; minus strand), EMC1-AS1 (EMC1 antisense RNA 1; plus strand). Cytogenetic location: 1p36.13.
Variant type: single nucleotide variant.
Coding change: c.793G>A on transcript NM_015047.3 (MANE Select); coding-DNA position 793, G replaced by A.
Protein change: p.Asp265Asn; replaces aspartic acid 265 with asparagine.
Molecular consequence: missense variant.
Genome position (GRCh38, 1-based): chr1:19,239,979, C>T on the plus strand (G>A on the coding strand, the complement: EMC1 is on the minus strand). VCF-style: chr1-19239979-C-T. GRCh37 (hg19) VCF-style: chr1-19566473-C-T.
Other names: c.793G>A, p.Asp265Asn (NM_001271427.2, NM_001271428.2, NM_001375820.1 and 1 more transcripts); c.727G>A, p.Asp243Asn (NM_001271429.2); short protein forms D243N, D265N.
Identifiers: ClinVar variation 1381156 (VCV001381156.7), dbSNP rs1439129239, ClinGen allele CA338768516.